The following is an entry in ClinVar:

ClinVar aggregate classification (germline): Uncertain significance (1 of 4 stars; one submission).

gnomAD v4.1: 3 of 1,185,946 alleles (0.00025%); highest among the groups gnomAD compares: Non-Finnish European, 0.00034%; no homozygotes.

Submission:

GeneDx
Classification: Uncertain significance. Last evaluated: 2023-08-08. Review status: criteria provided, single submitter. Criteria: GeneDx Variant Classification Process June 2021. Collection method: clinical testing. Allele origin: germline. Affected: yes.
Comment: Not observed at significant frequency in large population cohorts (gnomAD); In silico analysis supports that this missense variant has a deleterious effect on protein structure/function; Has not been previously published as pathogenic or benign to our knowledge; Variants in candidate genes are classified as variants of uncertain significance in accordance with ACMG guidelines (Richards et al., 2015)

NM_002063.4(GLRA2):c.587C>T (p.Thr196Met)

Gene: GLRA2 (glycine receptor alpha 2; plus strand). Cytogenetic location: Xp22.2.
Variant type: single nucleotide variant.
Coding change: c.587C>T on transcript NM_002063.4 (MANE Select); coding-DNA position 587, C replaced by T.
Protein change: p.Thr196Met; replaces threonine 196 with methionine.
Molecular consequence: missense variant.
Genome position (GRCh38, 1-based): chrX:14,607,140, C>T. VCF-style: chrX-14607140-C-T. GRCh37 (hg19) VCF-style: chrX-14625262-C-T.
Other names: c.587C>T, p.Thr196Met (NM_001118885.2, NM_001118886.2); c.320C>T, p.Thr107Met (NM_001171942.2); short protein forms T107M, T196M.
Identifiers: ClinVar variation 3766151 (VCV003766151.1).